The following is an entry in ClinVar:

ClinVar aggregate classification (germline): Uncertain significance. Review status: criteria provided, multiple submitters, no conflicts (2 of 4 stars). 3 submissions from 3 submitters: Uncertain significance (2). 1 of the submissions does not count toward it. Last evaluated 2026-01-19.

Conditions:
VHL-related disorder. Also called: VHL-related condition.
Von Hippel-Lindau syndrome (VHLS). Also called: VHL syndrome; Von Hippel-Lindau; von Hippel–Lindau syndrome. Identifiers: Orphanet 892, MedGen C0019562, MONDO:0008667, OMIM 193300. Disease mechanism: loss of function.
Chuvash polycythemia. Also called: POLYCYTHEMIA, VHL-DEPENDENT. Identifiers: Orphanet 238557, MedGen C1837915, MONDO:0009892, OMIM 263400.
Hereditary cancer-predisposing syndrome. Also called: Tumor predisposition; Hereditary Cancer Syndrome; Hereditary neoplastic syndrome; Neoplastic Syndromes, Hereditary. Identifiers: Orphanet 140162, MedGen C0027672, MeSH D009386, MONDO:0015356.

Submissions (3):

Labcorp Genetics (formerly Invitae), Labcorp
Classification: Uncertain significance for Von Hippel-Lindau syndrome; Chuvash polycythemia. Last evaluated: 2026-01-19. Review status: criteria provided, single submitter. Criteria: Invitae Variant Classification Sherloc (09022015). Collection method: clinical testing. Allele origin: germline.
Comment: This variant occurs in a non-coding region of the VHL gene. It does not change the encoded amino acid sequence of the VHL protein. This variant is not present in population databases (gnomAD no frequency). This variant has not been reported in the literature in individuals affected with VHL-related conditions. ClinVar contains an entry for this variant (Variation ID: 182985). In summary, the available evidence is currently insufficient to determine the role of this variant in disease. Therefore, it has been classified as a Variant of Uncertain Significance.

GeneDx
Classification: Uncertain significance for Neoplastic Syndromes, Hereditary. Last evaluated: 2014-09-16. Review status: criteria provided, single submitter. Criteria: GeneDx Variant Classification (06012015). Collection method: clinical testing. Allele origin: germline. Affected: yes.
Comment: This duplication of 20 nucleotides is denoted VHL c.-35_-34insTCCGACCCGCGGATCCCGCG (aka c.-54_-35dup20), and describes a duplication upstream of the VHL ATG translational start site in the 5' untranslated region (UTR). The surrounding sequence is CGCG{dup20}GCGT. This variant has not, to our knowledge, been published in the literature as either a mutation or a benign polymorphism and does not appear to affect the start codon or the Kozak translational consensus sequence. At this time, we consider VHL c.-54_-35dup20 to be a variant of unknown significance. The variant is found in MODRISK-HEREDICV3 panel(s).

PreventionGenetics, part of Exact Sciences
Classification: Likely benign for VHL-related condition. Last evaluated: 2022-04-15. Review status: no assertion criteria provided. Collection method: clinical testing. Allele origin: germline. Not counted in ClinVar's aggregate classification.
Comment: This variant is classified as likely benign based on ACMG/AMP sequence variant interpretation guidelines (Richards et al. 2015 PMID: 25741868, with internal and published modifications).

NM_000551.4(VHL):c.-54_-35dup

Gene: VHL (von Hippel-Lindau tumor suppressor; plus strand). Cytogenetic location: 3p25.3.
Variant type: Duplication.
Coding change: c.-54_-35dup on transcript NM_000551.4 (MANE Select); 54 bases upstream of the start codon through 35 bases upstream of the start codon, 20 bases duplicated (TCCGACCCGCGGATCCCGCG).
Molecular consequence: 5 prime UTR variant.
Genome position (GRCh38, 1-based): chr3:10,141,794-10,141,813, TCCGACCCGCGGATCCCGCG duplicated; duplicating any 20 consecutive bases within chr3:10,141,788-10,141,813 gives the same sequence; the c. name uses the placement nearest the transcript's 3' end. VCF-style (leftmost placement, unchanged base first): chr3-10141787-C-CCCCGCGTCCGACCCGCGGAT. GRCh37 (hg19) VCF-style: chr3-10183471-C-CCCCGCGTCCGACCCGCGGAT.
Other names: c.-35_-34insTCCGACCCGCGGATCCCGCG (NM_000551.3); c.-54_-35dup (NM_001354723.2, NM_198156.3); c.-54_-35dup20 (NM_000551.3).
Identifiers: ClinVar variation 182985 (VCV000182985.5), dbSNP rs730882036, ClinGen allele CA300462.
Genomic context (GRCh38, chr3:10,141,787, plus strand): 5'-CCTCTACCGAGCGCGCGCGAAGACTACGGAGGTCGACTCGGGAGCGCGCACGCAGCTCCG[C>CCCCGCGTCCGACCCGCGGAT]CCCGCGTCCGACCCGCGGATCCCGCGGCGTCCGGCCCGGGTGGTCTGGATCGCGGAGGGA-3'